The following is an entry in ClinVar:

NM_015909.4(NBAS):c.2845G>A (p.Val949Met)

Gene: NBAS (NBAS subunit of NRZ tethering complex; minus strand). Cytogenetic location: 2p24.3.
Variant type: single nucleotide variant.
Coding change: c.2845G>A on transcript NM_015909.4 (MANE Select); coding-DNA position 2845, G replaced by A.
Protein change: p.Val949Met; replaces valine 949 with methionine.
Molecular consequence: missense variant. On other transcripts: non-coding transcript variant (1).
Genome position (GRCh38, 1-based): chr2:15,415,638, C>T on the plus strand (G>A on the coding strand, the complement: NBAS is on the minus strand). VCF-style: chr2-15415638-C-T. GRCh37 (hg19) VCF-style: chr2-15555762-C-T.
Other names: short protein forms V949M.
Identifiers: ClinVar variation 2187289 (VCV002187289.2), dbSNP rs74727069, ClinGen allele CA345885715.

ClinVar aggregate classification (germline): Uncertain significance (1 of 4 stars; one submission).

gnomAD v4.1: 1 of 1,614,120 alleles (0.000062%); highest among the groups gnomAD compares: Non-Finnish European, 0.000085%; no homozygotes.

Submission:

Labcorp Genetics (formerly Invitae), Labcorp
Classification: Uncertain significance. Last evaluated: 2023-12-01. Review status: criteria provided, single submitter. Criteria: Invitae Variant Classification Sherloc (09022015). Collection method: clinical testing. Allele origin: germline.
Comment: This sequence change replaces valine, which is neutral and non-polar, with methionine, which is neutral and non-polar, at codon 949 of the NBAS protein (p.Val949Met). This variant is not present in population databases (gnomAD no frequency). This variant has not been reported in the literature in individuals affected with NBAS-related conditions. ClinVar contains an entry for this variant (Variation ID: 2187289). Advanced modeling of protein sequence and biophysical properties (such as structural, functional, and spatial information, amino acid conservation, physicochemical variation, residue mobility, and thermodynamic stability) performed at Invitae indicates that this missense variant is not expected to disrupt NBAS protein function with a negative predictive value of 95%. In summary, the available evidence is currently insufficient to determine the role of this variant in disease. Therefore, it has been classified as a Variant of Uncertain Significance.